The following is an entry in ClinVar:

ClinVar aggregate classification (germline): Likely benign. Review status: criteria provided, multiple submitters, no conflicts (2 of 4 stars). 2 submissions from 2 submitters: Likely benign (2). Last evaluated 2024-11-26.

Submissions (2):

Blueprint Genetics
Classification: Likely benign. Last evaluated: 2024-11-26. Review status: criteria provided, single submitter. Criteria: ACMG Guidelines, 2015. Collection method: clinical testing. Allele origin: germline.

CeGaT Center for Human Genetics Tuebingen
Classification: Likely benign. Last evaluated: 2024-04-01. Review status: criteria provided, single submitter. Criteria: CeGaT Center For Human Genetics Tuebingen Variant Classification Criteria Version 2. Collection method: clinical testing. Allele origin: germline. Affected: yes. Observed: 4 variant alleles.
Comment: MUC5B: PM4, BS1

NM_002458.3(MUC5B):c.12291GGCCAC[1] (p.4098AT[1])

Genes: MUC5B (mucin 5B, oligomeric mucus/gel-forming; plus strand), MUC5B-AS1 (MUC5B antisense RNA 1; minus strand). Cytogenetic location: 11p15.5.
Variant type: Microsatellite.
Coding change: c.12291GGCCAC[1] on transcript NM_002458.3 (MANE Select); one copy of the 6-base unit GGCCAC starting at c.12291; the reference has two copies in a row; one copy, 6 bases deleted.
Protein change: p.4098AT[1].
Molecular consequence: inframe deletion.
Genome position (GRCh38, 1-based): chr11:1,249,177-1,249,182, GGCCAC deleted; deleting any 6 consecutive bases within chr11:1,249,167-1,249,182 gives the same sequence; the position shown is the placement nearest the transcript's 3' end. VCF-style (leftmost placement, unchanged base first): chr11-1249166-ACCACGG-A. GRCh37 (hg19) VCF-style: chr11-1270396-ACCACGG-A.
Identifiers: ClinVar variation 2641285 (VCV002641285.25), dbSNP rs754593750, ClinGen allele CA5807944.